The following is an entry in ClinVar:

NC_000019.9:g.(?_7117067)_(7123020_?)dup

Gene: INSR (insulin receptor; minus strand). Cytogenetic location: 19p13.2.
Variant type: Duplication.
Identifiers: ClinVar variation 1372390 (VCV001372390.4).

ClinVar aggregate classification (germline): Uncertain significance (1 of 4 stars; one submission).

Submission:

Labcorp Genetics (formerly Invitae), Labcorp
Classification: Uncertain significance. Last evaluated: 2021-08-30. Review status: criteria provided, single submitter. Criteria: Invitae Variant Classification Sherloc (09022015). Collection method: clinical testing. Allele origin: germline.
Comment: In summary, the available evidence is currently insufficient to determine the role of this variant in disease. Therefore, it has been classified as a Variant of Uncertain Significance. Experimental studies and prediction algorithms are not available or were not evaluated, and the functional significance of this variant is currently unknown. This variant has not been reported in the literature in individuals affected with INSR-related conditions. This variant results in a copy number gain of the genomic region encompassing exon(s) 18-22 of the INSR gene. This region includes the termination codon of the gene. This copy number gain extends beyond the assayed region for this gene and therefore may encompass additional genes. As the precise location of this event is unknown, it may be in tandem or it may be located elsewhere in the genome.